The following is an entry in ClinVar:

ClinVar aggregate classification (germline): Uncertain significance. Review status: criteria provided, multiple submitters, no conflicts (2 of 4 stars). 3 submissions from 3 submitters: Uncertain significance (2). 1 of the submissions does not count toward it. Last evaluated 2025-11-05.

Conditions:
Hearing loss, autosomal recessive 106. Also called: DEAFNESS, AUTOSOMAL RECESSIVE 106. Identifiers: MedGen C4539954, MONDO:0033198, OMIM 617637.
EPS8L2-related disorder. Also called: EPS8L2-related condition.

Allele frequency attached by ClinVar (database versions not stated): TOPMed 0.00002; gnomAD exomes 0.00001; gnomAD 0.00001.
gnomAD v4.1: 26 of 1,613,228 alleles (0.0016%); highest among the groups gnomAD compares: East Asian, 0.0022%; no homozygotes.

Submissions (3):

Ambry Genetics
Classification: Uncertain significance. Last evaluated: 2025-11-05. Review status: criteria provided, single submitter. Criteria: Ambry Variant Classification Scheme 2023. Collection method: clinical testing. Allele origin: germline.

Baylor Genetics
Classification: Uncertain significance for Hearing loss, autosomal recessive 106. Last evaluated: 2019-11-21. Review status: criteria provided, single submitter. Criteria: ACMG Guidelines, 2015. Collection method: clinical testing. Allele origin: unknown. Affected: yes.
Comment: This variant was determined to be of uncertain significance according to ACMG Guidelines, 2015 [PMID:25741868].

PreventionGenetics, part of Exact Sciences
Classification: Uncertain significance for EPS8L2-related condition. Last evaluated: 2024-08-05. Review status: no assertion criteria provided. Collection method: clinical testing. Allele origin: germline. Not counted in ClinVar's aggregate classification.
Comment: The EPS8L2 c.206C>T variant is predicted to result in the amino acid substitution p.Thr69Met. To our knowledge, this variant has not been reported in the literature. This variant is reported in 0.0018% of alleles in individuals of European (Non-Finnish) descent in gnomAD. At this time, the clinical significance of this variant is uncertain due to the absence of conclusive functional and genetic evidence.

NM_022772.4(EPS8L2):c.206C>T (p.Thr69Met)

Gene: EPS8L2 (EPS8 signaling adaptor L2; plus strand). Cytogenetic location: 11p15.5.
Variant type: single nucleotide variant.
Coding change: c.206C>T on transcript NM_022772.4 (MANE Select); coding-DNA position 206, C replaced by T.
Protein change: p.Thr69Met; replaces threonine 69 with methionine.
Molecular consequence: missense variant.
Genome position (GRCh38, 1-based): chr11:720,102, C>T. VCF-style: chr11-720102-C-T. GRCh37 (hg19) VCF-style: chr11-720102-C-T.
Other names: short protein forms T69M.
Identifiers: ClinVar variation 1028775 (VCV001028775.3), dbSNP rs1481107650, ClinGen allele CA378961470.
Genomic context (GRCh38, chr11:720,102, plus strand): 5'-GACCACCTGCCCACCCCCAGCACCTGGCCACATTCATCATGGACAAGAGCGAAGCCATCA[C>T]GTCTGTGGACGACGCCATCCGGAAGCTGGTGCAGCTGAGCTCCAAGGAGAAGATCTGGAC-3'
Protein context (NP_073609.2, residues 59-79): TFIMDKSEAI[Thr69Met]SVDDAIRKLV